The following is an entry in ClinVar:

ClinVar aggregate classification (germline): Uncertain significance (1 of 4 stars; one submission).

Conditions:
Brugada syndrome. Also called: Sudden Unexplained Death Syndrome; Sudden Unexplained Nocturnal Death Syndrome (SUNDS); Sudden unexplained nocturnal death syndrome; Sudden unexpected nocturnal death syndrome. Identifiers: Orphanet 130, MedGen C1142166, MONDO:0015263.

Submission:

Labcorp Genetics (formerly Invitae), Labcorp
Classification: Uncertain significance for Brugada syndrome. Last evaluated: 2024-12-03. Review status: criteria provided, single submitter. Criteria: Invitae Variant Classification Sherloc (09022015). Collection method: clinical testing. Allele origin: germline.
Comment: This sequence change replaces methionine, which is neutral and non-polar, with threonine, which is neutral and polar, at codon 1641 of the SCN10A protein (p.Met1641Thr). This variant is not present in population databases (gnomAD no frequency). This variant has not been reported in the literature in individuals affected with SCN10A-related conditions. Invitae Evidence Modeling of protein sequence and biophysical properties (such as structural, functional, and spatial information, amino acid conservation, physicochemical variation, residue mobility, and thermodynamic stability) indicates that this missense variant is not expected to disrupt SCN10A protein function with a negative predictive value of 80%. In summary, the available evidence is currently insufficient to determine the role of this variant in disease. Therefore, it has been classified as a Variant of Uncertain Significance.

NM_006514.4(SCN10A):c.4922T>C (p.Met1641Thr)

Gene: SCN10A (sodium voltage-gated channel alpha subunit 10; minus strand). Cytogenetic location: 3p22.2.
Variant type: single nucleotide variant.
Coding change: c.4922T>C on transcript NM_006514.4 (MANE Select); coding-DNA position 4922, T replaced by C.
Protein change: p.Met1641Thr; replaces methionine 1641 with threonine.
Molecular consequence: missense variant.
Genome position (GRCh38, 1-based): chr3:38,698,298, A>G on the plus strand (T>C on the coding strand, the complement: SCN10A is on the minus strand). VCF-style: chr3-38698298-A-G. GRCh37 (hg19) VCF-style: chr3-38739789-A-G.
Other names: c.4919T>C, p.Met1640Thr (NM_001293306.2); c.4628T>C, p.Met1543Thr (NM_001293307.2); short protein forms M1543T, M1640T, M1641T.
Identifiers: ClinVar variation 3625696 (VCV003625696.2).
Genomic context (GRCh38, chr3:38,698,298, plus strand): 5'-GCCGACGTGGTAATCTGGAAGAGGCACAGCATGCTGTTGGCGAAGGTCTGGAAGTTGAAC[A>G]TGTCGTCGATGCCAGCCTCCCACCTCACATGGGGAAAGCTGGACATACCGAAGATAGAGT-3'
Protein context (NP_006505.4, residues 1631-1651): HVRWEAGIDD[Met1641Thr]FNFQTFANSM